The following is an entry in ClinVar:

ClinVar aggregate classification (germline): Pathogenic (0 of 4 stars; one submission).

Submission:

ISCA Site 6
Classification: Pathogenic. Last evaluated: 2011-08-11. Review status: no assertion criteria provided. Collection method: clinical testing. Allele origin: maternal. Affected: yes. Observed: 1 variant allele.
Comment: Copy number variation identified through the course of routine clinical cytogenomic testing in postnatal populations. Clinical assertions have been curated as described in Kaminsky et al. 2011.

Copy number variation identified through the course of routine clinical cytogenomic testing in postnatal populations. Clinical assertions have been curated as described in Kaminsky, et al. 2011 (PubMed 21844811). For additional ClinGen data, please see nstd37.

GRCh38/hg38 3q29(chr3:195972720-197658495)x3

Genes: BDH1 (3-hydroxybutyrate dehydrogenase 1), CEP19 (centrosomal protein 19; minus strand), DLG1 (discs large MAGUK scaffold protein 1; minus strand), DLG1-AS1 (DLG1 antisense RNA 1; plus strand), DYNLT2B (dynein light chain Tctex-type 2B; minus strand) and 110 more. Cytogenetic location: 3q29.
Variant type: copy number gain.
Change: copy number 3 (three copies instead of two) of chr3:195,972,720-197,658,495 (1.69 Mb, GRCh38 coordinates, 1-based), cytogenetic band 3q29.
Identifiers: ClinVar variation 59983 (VCV000059983.4).